The following is an entry in ClinVar:

ClinVar aggregate classification (germline): Uncertain significance (1 of 4 stars; one submission).

Allele frequency attached by ClinVar (database versions not stated): gnomAD exomes below 0.00001.
gnomAD v4.1: 3 of 1,614,200 alleles (0.00019%); highest among the groups gnomAD compares: Middle Eastern, 0.016%; no homozygotes.

Submission:

Labcorp Genetics (formerly Invitae), Labcorp
Classification: Uncertain significance. Last evaluated: 2022-06-18. Review status: criteria provided, single submitter. Criteria: Invitae Variant Classification Sherloc (09022015). Collection method: clinical testing. Allele origin: germline.
Comment: In summary, the available evidence is currently insufficient to determine the role of this variant in disease. Therefore, it has been classified as a Variant of Uncertain Significance. Algorithms developed to predict the effect of missense changes on protein structure and function are either unavailable or do not agree on the potential impact of this missense change (SIFT: "Not Available"; PolyPhen-2: "Probably Damaging"; Align-GVGD: "Not Available"). This variant has not been reported in the literature in individuals affected with CFI-related conditions. This variant is not present in population databases (gnomAD no frequency). This sequence change replaces cysteine, which is neutral and slightly polar, with arginine, which is basic and polar, at codon 93 of the CFI protein (p.Cys93Arg).

NM_000204.5(CFI):c.277T>C (p.Cys93Arg)

Gene: CFI (complement factor I; minus strand). Cytogenetic location: 4q25.
Variant type: single nucleotide variant.
Coding change: c.277T>C on transcript NM_000204.5 (MANE Select); coding-DNA position 277, T replaced by C.
Protein change: p.Cys93Arg; replaces cysteine 93 with arginine.
Molecular consequence: missense variant. On other transcripts: non-coding transcript variant (3), intron variant (1).
Genome position (GRCh38, 1-based): chr4:109,766,605, A>G on the plus strand (T>C on the coding strand, the complement: CFI is on the minus strand). VCF-style: chr4-109766605-A-G. GRCh37 (hg19) VCF-style: chr4-110687761-A-G.
Other names: c.277T>C, p.Cys93Arg (NM_001318057.2, NM_001331035.2, NM_001375278.1 and 5 more transcripts); c.-127-4913T>C (NM_001375284.1); short protein forms C93R.
Identifiers: ClinVar variation 1919717 (VCV001919717.5), dbSNP rs2545456447, ClinGen allele CA357865117.